The following is an entry in ClinVar:

NM_000540.3(RYR1):c.13013_13032del (p.Ala4338fs)

Gene: RYR1 (ryanodine receptor 1; plus strand). Cytogenetic location: 19q13.2.
Variant type: Deletion.
Coding change: c.13013_13032del on transcript NM_000540.3 (MANE Select); coding-DNA positions 13013 to 13032, 20 bases deleted (CAGCAGTGACGCGCGCTGGG).
Protein change: p.Ala4338fs; shifts the reading frame from alanine 4338.
Molecular consequence: frameshift variant.
Genome position (GRCh38, 1-based): chr19:38,565,347-38,565,366, CAGCAGTGACGCGCGCTGGG deleted; deleting any 20 consecutive bases within chr19:38,565,342-38,565,366 gives the same sequence; the c. name uses the placement nearest the transcript's 3' end. VCF-style (leftmost placement, unchanged base first): chr19-38565341-TCTGGGCAGCAGTGACGCGCG-T. GRCh37 (hg19) VCF-style: chr19-39055981-TCTGGGCAGCAGTGACGCGCG-T.
Other names: NM_000540.3(RYR1):c.13013_13032del; p.Ala4338fs; c.12998_13017del, p.Ala4333fs (NM_001042723.2); c.13013_13032del20 (NM_000540.2); short protein forms A4333fs.
Identifiers: ClinVar variation 12996 (VCV000012996.61), dbSNP rs193922856, ClinGen allele CA024029.

ClinVar aggregate classification (germline): Pathogenic. Review status: reviewed by expert panel (3 of 4 stars). 12 submissions from 12 submitters: Pathogenic (1). 11 of the submissions do not count toward it. Last evaluated 2024-08-07.

Conditions:
RYR1-related disorder. Also called: RYR1-related disorders; RYR1-related condition. Identifiers: MedGen CN239331.
RYR1-related myopathy. Identifiers: Orphanet 98742, MedGen CN305348, MONDO:0100150.
Neuromuscular disease, congenital, with uniform type 1 fiber. Identifiers: MedGen C2674259.
Congenital multicore myopathy with external ophthalmoplegia (CMYO1B). Also called: Congenital myopathy 1B, autosomal recessive; Minicore myopathy; MULTIMINICORE DISEASE WITH EXTERNAL OPHTHALMOPLEGIA; MULTICORE MYOPATHY; Minicore myopathy with external ophthalmoplegia. Identifiers: Orphanet 598, Orphanet 98905, MedGen C1850674, MONDO:0009712, OMIM 255320, HP:0003789.
Central core myopathy (CMYO1A). Also called: CONGENITAL MYOPATHY 1A, AUTOSOMAL DOMINANT, WITH SUSCEPTIBILITY TO MALIGNANT HYPERTHERMIA; Central core disease; Myopathy, central fibrillar. Identifiers: Orphanet 597, MedGen C5830701, MONDO:0007294, OMIM 117000.

Submissions (12):

ClinGen Congenital Myopathies Variant Curation Expert Panel, ClinGen
Classification: Pathogenic for RYR1-related myopathy. Last evaluated: 2024-08-07. Review status: reviewed by expert panel. Criteria: ClinGen CongenMyopathy ACMG Specifications RYR1 AR V1.0.0. Collection method: curation. Allele origin: germline. Inheritance: Autosomal recessive inheritance.
Comment: The NM_000540.3:c.13013_13032del p.(Ala4338Glyfs*238) variant in RYR1 is a frameshift variant predicted to cause a premature stop codon in biologically-relevant-exon 91/106 leading to nonsense mediated decay in a gene in which loss-of-function is an established disease mechanism (PVS1). The highest population minor allele frequency in gnomAD v4.1 is 0.000004965 (5/1006982 alleles) in the European (non-Finnish) population, which is lower than the ClinGen Congenital Myopathies VCEP threshold (≤ 0.00000697) for PM2_Supporting, meeting this criterion (PM2_Supporting). In summary, this variant meets the criteria to be classified as pathogenic for autosomal recessive RYR1-related myopathy based on the ACMG/AMP criteria applied, as specified by the ClinGen Congenital Myopathies VCEP: PVS1, PM2_Supporting, PM3_Supporting, PP4 (Congenital Myopathies VCEP specifications Version 1: 8/7/2024)

Dasa
Classification: Pathogenic for Congenital multicore myopathy with external ophthalmoplegia. Last evaluated: 2025-12-23. Review status: criteria provided, single submitter. Criteria: DASA Assertion Criteria. Collection method: clinical testing. Allele origin: germline. Not counted in ClinVar's aggregate classification.
Comment: NM_000540.3(RYR1):c.13013_13032del (p.Ala4338Glyfs*238) is a frameshift variant in RYR1 predicted to alter the reading frame and introduce a premature termination codon and is predicted to result in an absent or altered protein product. Loss of function is an established disease mechanism for RYR1-associated disorders. This variant has been reported in individuals with RYR1-related disorders (PMID: 41053595). Also, this variant is rare in population databases. Based on the currently available evidence, this variant is classified as pathogenic.

Labcorp Genetics (formerly Invitae), Labcorp
Classification: Pathogenic for RYR1-related disorder. Last evaluated: 2025-12-02. Review status: criteria provided, single submitter. Criteria: Invitae Variant Classification Sherloc (09022015). Collection method: clinical testing. Allele origin: germline. Not counted in ClinVar's aggregate classification.
Comment: This sequence change creates a premature translational stop signal (p.Ala4338Glyfs*238) in the RYR1 gene. It is expected to result in an absent or disrupted protein product. Loss-of-function variants in RYR1 are known to be pathogenic (PMID: 23919265, 25960145, 28818389, 30611313). The frequency data for this variant in the population databases is considered unreliable, as metrics indicate insufficient coverage at this position in the gnomAD database. This premature translational stop signal has been observed in individual(s) with autosomal dominant congenital neuromuscular disease and/or autosomal recessive centronuclear myopathy (PMID: 17538032, 34595679). ClinVar contains an entry for this variant (Variation ID: 12996). For these reasons, this variant has been classified as Pathogenic.

Revvity Omics, Revvity
Classification: Pathogenic. Last evaluated: 2023-10-25. Review status: criteria provided, single submitter. Criteria: ACMG Guidelines, 2015. Collection method: clinical testing. Allele origin: germline. Not counted in ClinVar's aggregate classification.

GeneDx
Classification: Likely pathogenic. Last evaluated: 2023-09-16. Review status: criteria provided, single submitter. Criteria: GeneDx Variant Classification Process June 2021. Collection method: clinical testing. Allele origin: germline. Affected: yes. Not counted in ClinVar's aggregate classification.
Comment: Frameshift variant predicted to result in protein truncation, as the last 701 amino acids are replaced with 237 different amino acids, and other loss-of-function variants have been reported downstream in the published literature (Sato et al., 2008); Not observed at significant frequency in large population cohorts (gnomAD); This variant is associated with the following publications: (PMID: 33184643, 34595679, 17538032)

MGZ Medical Genetics Center
Classification: Pathogenic for Central core myopathy. Last evaluated: 2022-02-25. Review status: criteria provided, single submitter. Criteria: ACMG Guidelines, 2015. Collection method: clinical testing. Allele origin: germline. Affected: yes. Observed: 1 variant allele. Not counted in ClinVar's aggregate classification.
Comment: ACMG criteria applied: PVS1, PM2_SUP, PP3

Victorian Clinical Genetics Services, Murdoch Childrens Research Institute
Classification: Pathogenic for RYR1-related myopathy. Last evaluated: 2020-10-19. Review status: criteria provided, single submitter. Criteria: ACMG Guidelines, 2015. Collection method: clinical testing. Allele origin: germline. Not counted in ClinVar's aggregate classification.
Comment: Based on the classification scheme VCGS_Germline_v1.3.3, this variant is classified as Pathogenic. Following criteria are met: 0103 - Loss of function and gain of function are known mechanisms of disease in this gene and are associated with RYR1-related myopathy. Central core disease and minicore myopathy are associated with loss of function, while a gain of function mechanism has been described in the context of malignant hyperthermia susceptibility (PMID: 27855725). (I) 0108 - This gene is associated with both recessive and dominant disease. Autosomal dominant inheritance is associated with central core disease ((MIM#117000) or susceptibility to malignant hyperthermia (MIM#145600). Other phenotypes include minicore myopathy (MIM#255320) which is associated with autosomal recessive inheritance (PMID: 23919265) and neuromuscular disease, congenital, with uniform type 1 fiber (MIM#117000) which is associated with both autosomal dominant and recessive inheritance (OMIM). (I) 0113 - This gene is suspected to be imprinted and paternally expressed (OMIM; PMID: 17033962). (I) 0201 - Variant is predicted to cause nonsense-mediated decay (NMD) and loss of protein (premature termination codon is located at least 54 nucleotides upstream of the final exon-exon junction). (SP) 0251 - This variant is heterozygous. (I) 0301 - Variant is absent from gnomAD (both v2 and v3). (SP) 0701 - Other NMD-predicted variants comparable to the one identified in this case have very strong previous evidence for pathogenicity. There are at least 10 NMD-predicted variants along the RYR1 gene (Decipher). (SP) 0802 - This variant has moderate previous evidence of pathogenicity in unrelated individuals. This variant has been classified pathogenic in three individuals in ClinVar and shown to be de novo in one individual with congenital neuromuscular disease with uniform type 1 fiber (Clinvar; PMID: 17538032). (SP) 0905 - No published segregation evidence has been identified for this variant. (I) 1007 - No published functional evidence has been identified for this variant. (I) 1208 - Inheritance information for this variant is not currently available in this individual. (I) Legend: (SP) - Supporting pathogenic, (I) - Information, (SB) - Supporting benign

CeGaT Center for Human Genetics Tuebingen
Classification: Pathogenic. Last evaluated: 2017-03-01. Review status: criteria provided, single submitter. Criteria: CeGaT Center For Human Genetics Tuebingen Variant Classification Criteria Version 2. Collection method: clinical testing. Allele origin: germline. Affected: yes. Observed: 1 variant allele. Not counted in ClinVar's aggregate classification.

PreventionGenetics, part of Exact Sciences
Classification: Pathogenic. Last evaluated: 2015-08-08. Review status: criteria provided, single submitter. Criteria: ACMG Guidelines, 2015. Collection method: clinical testing. Allele origin: germline. Not counted in ClinVar's aggregate classification.

Juno Genomics, Hangzhou Juno Genomics, Inc
Classification: Pathogenic for Congenital multicore myopathy with external ophthalmoplegia. Review status: criteria provided, single submitter. Criteria: ACMG Guidelines, 2015. Collection method: clinical testing. Allele origin: germline. Affected: yes. Not counted in ClinVar's aggregate classification.
Comment: Absent from controls (or at extremely low frequency if recessive) in Genome Aggregation Database, Exome Sequencing Project, 1000 Genomes Project, or Exome Aggregation Consortium.;Null variant in a gene where loss of function (LOF) is a known mechanism of disease.;For recessive disorders, detected in trans with a pathogenic variant.

OMIM
Classification: Pathogenic for CONGENITAL MYOPATHY 1A, AUTOSOMAL DOMINANT. Last evaluated: 2008-01-08. Review status: no assertion criteria provided. Collection method: literature only. Allele origin: germline. Not counted in ClinVar's aggregate classification.

RYR1 database
No classification provided. Review status: no classification provided. Collection method: not provided. Allele origin: unknown. Not counted in ClinVar's aggregate classification.

Literature cited by the submitters: PubMed 41053595 (cited by Dasa); PubMed 23919265 (cited by Labcorp Genetics (formerly Invitae), Labcorp and Victorian Clinical Genetics Services, Murdoch Childrens Research Institute); PubMed 25960145 (cited by Labcorp Genetics (formerly Invitae), Labcorp); PubMed 28818389 (cited by Labcorp Genetics (formerly Invitae), Labcorp); PubMed 30611313 (cited by Labcorp Genetics (formerly Invitae), Labcorp); PubMed 17538032 (cited by 3 submitters); PubMed 34595679 (cited by Labcorp Genetics (formerly Invitae), Labcorp); PubMed 17033962 (cited by Victorian Clinical Genetics Services, Murdoch Childrens Research Institute); PubMed 27855725 (cited by Victorian Clinical Genetics Services, Murdoch Childrens Research Institute).